The following is an entry in ClinVar:

NM_001377142.1(PLCB4):c.2881G>C (p.Glu961Gln)

Gene: PLCB4 (phospholipase C beta 4; plus strand). Cytogenetic location: 20p12.2.
Variant type: single nucleotide variant.
Coding change: c.2881G>C on transcript NM_001377142.1 (MANE Select); coding-DNA position 2881, G replaced by C.
Protein change: p.Glu961Gln; replaces glutamic acid 961 with glutamine.
Molecular consequence: missense variant.
Genome position (GRCh38, 1-based): chr20:9,453,347, G>C. VCF-style: chr20-9453347-G-C. GRCh37 (hg19) VCF-style: chr20-9433994-G-C.
Other names: c.2845G>C, p.Glu949Gln (NM_000933.4, NM_001377134.2, NM_001377135.1 and 2 more transcripts); c.2881G>C, p.Glu961Gln (NM_001172646.2, NM_001377143.1); short protein forms E949Q, E961Q.
Identifiers: ClinVar variation 3602462 (VCV003602462.1).

ClinVar aggregate classification (germline): Uncertain significance (1 of 4 stars; one submission).

Submission:

GeneDx
Classification: Uncertain significance. Last evaluated: 2024-07-29. Review status: criteria provided, single submitter. Criteria: GeneDx Variant Classification Process June 2021. Collection method: clinical testing. Allele origin: germline. Affected: yes.
Comment: Not observed at significant frequency in large population cohorts (gnomAD); In silico analysis indicates that this missense variant does not alter protein structure/function; In silico analysis is inconclusive as to whether the variant alters gene splicing. In the absence of RNA/functional studies, the actual effect of this sequence change is unknown.; Has not been previously published as pathogenic or benign to our knowledge